The following is an entry in ClinVar:

ClinVar aggregate classification (germline): Uncertain significance. Review status: criteria provided, multiple submitters, no conflicts (2 of 4 stars). 5 submissions from 5 submitters: Uncertain significance (5). Last evaluated 2025-11-05.

Conditions:
Hereditary cancer-predisposing syndrome. Also called: Hereditary Cancer Syndrome; Neoplastic Syndromes, Hereditary; Tumor predisposition; Hereditary neoplastic syndrome. Identifiers: Orphanet 140162, MedGen C0027672, MeSH D009386, MONDO:0015356.
Fanconi anemia complementation group J. Also called: BRIP1-Related Fanconi Anemia. Identifiers: Orphanet 84, MedGen C1836860, MONDO:0012187, OMIM 609054.
Familial cancer of breast. Also called: Hereditary breast cancer; hereditary breast carcinoma; BREAST CANCER, FAMILIAL. Identifiers: Orphanet 227535, MedGen C0346153, MONDO:0016419, OMIM 114480. Disease mechanism: loss of function.

Submissions (5):

Ambry Genetics
Classification: Uncertain significance for Hereditary cancer-predisposing syndrome. Last evaluated: 2025-11-05. Review status: criteria provided, single submitter. Criteria: Ambry Variant Classification Scheme 2023. Collection method: clinical testing. Allele origin: germline.
Comment: The p.F328S variant (also known as c.983T>C), located in coding exon 7 of the BRIP1 gene, results from a T to C substitution at nucleotide position 983. The phenylalanine at codon 328 is replaced by serine, an amino acid with highly dissimilar properties. This amino acid position is poorly conserved in available vertebrate species. In addition, this alteration is predicted to be tolerated by in silico analysis. Since supporting evidence is limited at this time, the clinical significance of this alteration remains unclear.

Labcorp Genetics (formerly Invitae), Labcorp
Classification: Uncertain significance for Familial cancer of breast; Fanconi anemia complementation group J. Last evaluated: 2025-08-10. Review status: criteria provided, single submitter. Criteria: Invitae Variant Classification Sherloc (09022015). Collection method: clinical testing. Allele origin: germline.
Comment: This sequence change replaces phenylalanine, which is neutral and non-polar, with serine, which is neutral and polar, at codon 328 of the BRIP1 protein (p.Phe328Ser). This variant is not present in population databases (gnomAD no frequency). This variant has not been reported in the literature in individuals affected with BRIP1-related conditions. ClinVar contains an entry for this variant (Variation ID: 231260). Invitae Evidence Modeling of protein sequence and biophysical properties (such as structural, functional, and spatial information, amino acid conservation, physicochemical variation, residue mobility, and thermodynamic stability) indicates that this missense variant is not expected to disrupt BRIP1 protein function with a negative predictive value of 95%. In summary, the available evidence is currently insufficient to determine the role of this variant in disease. Therefore, it has been classified as a Variant of Uncertain Significance.

Quest Diagnostics Nichols Institute San Juan Capistrano
Classification: Uncertain significance. Last evaluated: 2025-04-10. Review status: criteria provided, single submitter. Criteria: Quest Diagnostics criteria. Collection method: clinical testing. Allele origin: unknown.
Comment: The BRIP1 c.983T>C (p.Phe328Ser) variant has not been reported in individuals with BRIP1-related conditions in the published literature. It also has not been reported in large, multi-ethnic general populations (Genome Aggregation Database). Analysis of this variant using bioinformatics tools for the prediction of the effect of amino acid changes on protein structure and function yielded predictions that this variant is benign. Based on the available information, we are unable to determine the clinical significance of this variant.

GeneDx
Classification: Uncertain significance. Last evaluated: 2023-10-31. Review status: criteria provided, single submitter. Criteria: GeneDx Variant Classification Process June 2021. Collection method: clinical testing. Allele origin: germline. Affected: yes.
Comment: Not observed at significant frequency in large population cohorts (gnomAD); In silico analysis supports that this missense variant does not alter protein structure/function; Has not been previously published as pathogenic or benign to our knowledge

MGZ Medical Genetics Center
Classification: Uncertain significance for Familial cancer of breast. Last evaluated: 2021-12-30. Review status: criteria provided, single submitter. Criteria: ACMG Guidelines, 2015. Collection method: clinical testing. Allele origin: germline. Affected: yes. Observed: 1 variant allele.
Comment: ACMG criteria applied: PM2_SUP, BP4

NM_032043.3(BRIP1):c.983T>C (p.Phe328Ser)

Gene: BRIP1 (BRCA1 interacting DNA helicase 1; minus strand). Cytogenetic location: 17q23.2.
Variant type: single nucleotide variant.
Coding change: c.983T>C on transcript NM_032043.3 (MANE Select); coding-DNA position 983, T replaced by C.
Protein change: p.Phe328Ser; replaces phenylalanine 328 with serine.
Molecular consequence: missense variant.
Genome position (GRCh38, 1-based): chr17:61,801,410, A>G on the plus strand (T>C on the coding strand, the complement: BRIP1 is on the minus strand). VCF-style: chr17-61801410-A-G. GRCh37 (hg19) VCF-style: chr17-59878771-A-G.
Other names: short protein forms F328S.
Identifiers: ClinVar variation 231260 (VCV000231260.19), dbSNP rs876659057, ClinGen allele CA10580849.